The following is an entry in ClinVar:

ClinVar aggregate classification (germline): Likely benign. Review status: criteria provided, multiple submitters, no conflicts (2 of 4 stars). 3 submissions from 3 submitters: Likely benign (3). Last evaluated 2026-09-09.

Conditions:
TNC-related disorder. Also called: TNC-related condition.

Allele frequency attached by ClinVar (database versions not stated): ESP Exome Variant Server 0.00031; 1000 Genomes Project 0.00060; 1000 Genomes Project 30x 0.00062.
gnomAD v4.1: 153 of 1,614,002 alleles (0.0095%); highest among the groups gnomAD compares: East Asian, 0.17%; no homozygotes.

Submissions (3):

PreventionGenetics, part of Exact Sciences
Classification: Likely benign for TNC-related condition. Last evaluated: 2026-09-09. Review status: criteria provided, single submitter. Criteria: ACMG Guidelines, 2015. Collection method: clinical testing. Allele origin: germline.
Comment: This variant is classified as likely benign based on ACMG/AMP sequence variant interpretation guidelines (Richards et al. 2015 PMID: 25741868, with internal and published modifications).

Blueprint Genetics
Classification: Likely benign. Last evaluated: 2024-04-26. Review status: criteria provided, single submitter. Criteria: ACMG Guidelines, 2015. Collection method: clinical testing. Allele origin: germline.

GeneDx
Classification: Likely benign. Last evaluated: 2021-03-31. Review status: criteria provided, single submitter. Criteria: GeneDx Variant Classification Process June 2021. Collection method: clinical testing. Allele origin: germline. Affected: yes.

NM_002160.4(TNC):c.1023C>T (p.Cys341=)

Gene: TNC (tenascin C; minus strand). Cytogenetic location: 9q33.1.
Variant type: single nucleotide variant.
Coding change: c.1023C>T on transcript NM_002160.4 (MANE Select); coding-DNA position 1023, C replaced by T.
Protein change: p.Cys341=; no amino-acid change (cysteine 341 retained).
Molecular consequence: synonymous variant.
Genome position (GRCh38, 1-based): chr9:115,086,708, G>A on the plus strand (C>T on the coding strand, the complement: TNC is on the minus strand). VCF-style: chr9-115086708-G-A. GRCh37 (hg19) VCF-style: chr9-117848987-G-A.
Identifiers: ClinVar variation 1316269 (VCV001316269.4), dbSNP rs139641638, ClinGen allele CA5208900.